The following is an entry in ClinVar:

NM_173598.6(KSR2):c.2248G>C (p.Val750Leu)

Gene: KSR2 (kinase suppressor of ras 2; minus strand). Cytogenetic location: 12q24.22.
Variant type: single nucleotide variant.
Coding change: c.2248G>C on transcript NM_173598.6 (MANE Select); coding-DNA position 2248, G replaced by C.
Protein change: p.Val750Leu; replaces valine 750 with leucine.
Molecular consequence: missense variant.
Genome position (GRCh38, 1-based): chr12:117,485,663, C>G on the plus strand (G>C on the coding strand, the complement: KSR2 is on the minus strand). VCF-style: chr12-117485663-C-G. GRCh37 (hg19) VCF-style: chr12-117923468-C-G.
Other names: short protein forms V750L.
Identifiers: ClinVar variation 2636729 (VCV002636729.6), dbSNP rs368852302, ClinGen allele CA6815773.

ClinVar aggregate classification (germline): Uncertain significance. Review status: criteria provided, multiple submitters, no conflicts (2 of 4 stars). 3 submissions from 3 submitters: Uncertain significance (2). 1 of the submissions does not count toward it. Last evaluated 2025-04-24.

Conditions:
KSR2-related disorder. Also called: KSR2-related condition.

Allele frequency attached by ClinVar (database versions not stated): ESP Exome Variant Server 0.00008.
gnomAD v4.1: 9 of 1,613,444 alleles (0.00056%); highest among the groups gnomAD compares: African/African-American, 0.0013%; no homozygotes.

Submissions (3):

Ambry Genetics
Classification: Uncertain significance. Last evaluated: 2025-04-24. Review status: criteria provided, single submitter. Criteria: Ambry Variant Classification Scheme 2023. Collection method: clinical testing. Allele origin: germline.

Labcorp Genetics (formerly Invitae), Labcorp
Classification: Uncertain significance. Last evaluated: 2025-01-28. Review status: criteria provided, single submitter. Criteria: Invitae Variant Classification Sherloc (09022015). Collection method: clinical testing. Allele origin: germline.
Comment: This sequence change replaces valine, which is neutral and non-polar, with leucine, which is neutral and non-polar, at codon 721 of the KSR2 protein (p.Val721Leu). This variant is present in population databases (rs368852302, gnomAD 0.005%). This variant has not been reported in the literature in individuals affected with KSR2-related conditions. ClinVar contains an entry for this variant (Variation ID: 2636729). An algorithm developed to predict the effect of missense changes on protein structure and function (PolyPhen-2) suggests that this variant is likely to be disruptive. In summary, the available evidence is currently insufficient to determine the role of this variant in disease. Therefore, it has been classified as a Variant of Uncertain Significance.

PreventionGenetics, part of Exact Sciences
Classification: Uncertain significance for KSR2-related condition. Last evaluated: 2024-01-31. Review status: no assertion criteria provided. Collection method: clinical testing. Allele origin: germline. Not counted in ClinVar's aggregate classification.
Comment: The KSR2 c.2161G>C variant is predicted to result in the amino acid substitution p.Val721Leu. To our knowledge, this variant has not been reported in the literature. This variant is reported in 0.0041% of alleles in individuals of African descent in gnomAD. At this time, the clinical significance of this variant is uncertain due to the absence of conclusive functional and genetic evidence.